The following is an entry in ClinVar:

NM_001365902.3(NFIX):c.1495-1G>A

Gene: NFIX (nuclear factor I X; plus strand). Cytogenetic location: 19p13.13.
Variant type: single nucleotide variant.
Coding change: c.1495-1G>A on transcript NM_001365902.3 (MANE Select); the canonical splice acceptor site of the intron before coding-DNA position 1495, G replaced by A.
Molecular consequence: splice acceptor variant.
Genome position (GRCh38, 1-based): chr19:13,094,634, G>A. VCF-style: chr19-13094634-G-A. GRCh37 (hg19) VCF-style: chr19-13205448-G-A.
Other names: c.*21-1G>A (NM_002501.4, NM_001365982.2, NM_001271044.3 and 2 more transcripts); c.1471-1G>A (NM_001378404.1); c.1543-1G>A (NM_001378405.1); c.1519-1G>A (NM_001271043.2); c.1492-1G>A (NM_001365984.2).
Identifiers: ClinVar variation 2662841 (VCV002662841.2), dbSNP rs2513031829, ClinGen allele CA404312535.
Genomic context (GRCh38, chr19:13,094,634, plus strand): 5'-GGAGTGAGATGGGACCTGCCCCAGCTGTTCTCAGTATCGCCTCTTTTTCATCCTGTTTCA[G>A]TCCTGGTTCCTCTGATAAGATCGACAAAAGAAACAACAAAATGAGAAGAAGAGGTTCCTC-3'

ClinVar aggregate classification (germline): Uncertain significance (1 of 4 stars; one submission).

Submission:

GeneDx
Classification: Uncertain significance. Last evaluated: 2025-10-29. Review status: criteria provided, single submitter. Criteria: GeneDx Variant Classification Process June 2021. Collection method: clinical testing. Allele origin: germline.
Comment: Not observed at significant frequency in large population cohorts (gnomAD); Canonical splice site variant with an unclear effect on protein function; Has not been previously published as pathogenic or benign to our knowledge